The following is an entry in ClinVar:

ClinVar aggregate classification (germline): Uncertain significance (1 of 4 stars; one submission).

Conditions:
Hereditary cancer-predisposing syndrome. Also called: Neoplastic Syndromes, Hereditary; Tumor predisposition; Hereditary Cancer Syndrome; Hereditary neoplastic syndrome. Identifiers: Orphanet 140162, MedGen C0027672, MeSH D009386, MONDO:0015356.

Submission:

Ambry Genetics
Classification: Uncertain significance for Hereditary cancer-predisposing syndrome. Last evaluated: 2026-01-14. Review status: criteria provided, single submitter. Criteria: Ambry Variant Classification Scheme 2023. Collection method: clinical testing. Allele origin: germline.
Comment: The p.V986L variant (also known as c.2956G>C), located in coding exon 25 of the TSC2 gene, results from a G to C substitution at nucleotide position 2956. The valine at codon 986 is replaced by leucine, an amino acid with highly similar properties. This amino acid position is conserved. In addition, the in silico prediction for this alteration is inconclusive. Based on the available evidence, the clinical significance of this variant remains unclear.

NM_000548.5(TSC2):c.2956G>C (p.Val986Leu)

Gene: TSC2 (TSC complex subunit 2; plus strand). Cytogenetic location: 16p13.3.
Variant type: single nucleotide variant.
Coding change: c.2956G>C on transcript NM_000548.5 (MANE Select); coding-DNA position 2956, G replaced by C.
Protein change: p.Val986Leu; replaces valine 986 with leucine.
Molecular consequence: missense variant. On other transcripts: intron variant (31).
Genome position (GRCh38, 1-based): chr16:2,077,716, G>C. VCF-style: chr16-2077716-G-C. GRCh37 (hg19) VCF-style: chr16-2127717-G-C.
Other names: c.2809G>C, p.Val937Leu (NM_001406676.1, NM_001406675.1); c.2356G>C, p.Val786Leu (NM_001406680.1, NM_001406682.1, NM_001406683.1 and 1 more transcripts); c.1612G>C, p.Val538Leu (NM_001406689.1); c.1493+1131G>C (NM_001406693.1, NM_001406690.1, NM_001406692.1 and 5 more transcripts); c.2927+1131G>C (NM_001406667.1, NM_001406668.1); c.2237+1131G>C (NM_001406687.1, NM_001406685.1, NM_001318831.2 and 2 more transcripts); c.1235+1131G>C (NM_001406698.1); c.2837+1131G>C (NM_021055.3, NM_001370405.1, NM_001363528.2 and 3 more transcripts); and 8 more; short protein forms V937L, V986L, V786L, V538L, V949L.
Identifiers: ClinVar variation 4842423 (VCV004842423.1).
Genomic context (GRCh38, chr16:2,077,716, plus strand): 5'-TTCAAGGAGAGCTCTGCAGCCGAGGCCTTCCGGTGCCGCAGCATCAGTGTGTCTGAACAT[G>C]TGGTCCGCAGGTAGCGGGACTGTCGGGTGGGGGGCACGGACCCTGGAGCTTGGCCCCGTG-3'
Protein context (NP_000539.2, residues 976-996): RCRSISVSEH[Val986Leu]VRSRIQTSLT